The following is an entry in ClinVar:

NM_016284.5(CNOT1):c.6332G>A (p.Cys2111Tyr)

Gene: CNOT1 (CCR4-NOT transcription complex subunit 1; minus strand). Cytogenetic location: 16q21.
Variant type: single nucleotide variant.
Coding change: c.6332G>A on transcript NM_016284.5 (MANE Select); coding-DNA position 6332, G replaced by A.
Protein change: p.Cys2111Tyr; replaces cysteine 2111 with tyrosine.
Molecular consequence: missense variant. On other transcripts: non-coding transcript variant (1).
Genome position (GRCh38, 1-based): chr16:58,528,596, C>T on the plus strand (G>A on the coding strand, the complement: CNOT1 is on the minus strand). VCF-style: chr16-58528596-C-T. GRCh37 (hg19) VCF-style: chr16-58562500-C-T.
Other names: c.6317G>A, p.Cys2106Tyr (NM_001265612.2); short protein forms C2106Y, C2111Y.
Identifiers: ClinVar variation 3907983 (VCV003907983.1).

ClinVar aggregate classification (germline): Uncertain significance (1 of 4 stars; one submission).

Submission:

GeneDx
Classification: Uncertain significance. Last evaluated: 2024-12-23. Review status: criteria provided, single submitter. Criteria: GeneDx Variant Classification Process June 2021. Collection method: clinical testing. Allele origin: germline. Affected: yes.
Comment: Not observed at significant frequency in large population cohorts (gnomAD); In silico analysis supports that this missense variant has a deleterious effect on protein structure/function; Has not been previously published as pathogenic or benign to our knowledge